The following is an entry in ClinVar:

NM_000512.5(GALNS):c.601G>A (p.Gly201Arg)

Gene: GALNS (galactosamine (N-acetyl)-6-sulfatase; minus strand). Cytogenetic location: 16q24.3.
Variant type: single nucleotide variant.
Coding change: c.601G>A on transcript NM_000512.5 (MANE Select); coding-DNA position 601, G replaced by A.
Protein change: p.Gly201Arg; replaces glycine 201 with arginine.
Molecular consequence: missense variant.
Genome position (GRCh38, 1-based): chr16:88,836,233, C>T on the plus strand (G>A on the coding strand, the complement: GALNS is on the minus strand). VCF-style: chr16-88836233-C-T. GRCh37 (hg19) VCF-style: chr16-88902641-C-T.
Other names: c.46G>A, p.Gly16Arg (NM_001323543.2); c.619G>A, p.Gly207Arg (NM_001323544.2); short protein forms G16R, G201R, G207R.
Identifiers: ClinVar variation 2991062 (VCV002991062.4), dbSNP rs773509699, ClinGen allele CA8235081.
Genomic context (GRCh38, chr16:88,836,233, plus strand): 5'-AGGGCGAGGATGGTGCGGTCCCCATCACCTGCAGGTAGATCTGGGTGAGGTTGGCTTCCC[C>T]CGTCTTCAGATTAATAGGAAATTCTTCATAATATCTGAAAAGAACACAGATCCAGACAGA-3'
Protein context (NP_000503.1, residues 191-211): YEEFPINLKT[Gly201Arg]EANLTQIYLQ

ClinVar aggregate classification (germline): Conflicting classifications of pathogenicity. Review status: criteria provided, conflicting classifications (1 of 4 stars). 2 submissions from 2 submitters: Likely pathogenic (1); Uncertain significance (1). Last evaluated 2025-11-24.

Conditions:
Mucopolysaccharidosis, MPS-IV-A (MPS4A). Also called: Morquio syndrome A, mild; MORQUIO SYNDROME A; GALACTOSAMINE-6-SULFATASE DEFICIENCY; GALNS DEFICIENCY; MORQUIO A DISEASE; Mucopolysaccharidosis type IV A. Identifiers: Orphanet 309297, Orphanet 582, MedGen C0086651, MONDO:0009659, OMIM 253000.

Allele frequency attached by ClinVar (database versions not stated): TOPMed below 0.00001; gnomAD 0.00001; gnomAD exomes 0.00001; ExAC 0.00002.
gnomAD v4.1: 13 of 1,613,406 alleles (0.00081%); highest among the groups gnomAD compares: Admixed American, 0.0017%; no homozygotes.

Submissions (2):

Women's Health and Genetics/Laboratory Corporation of America, LabCorp
Classification: Uncertain significance. Last evaluated: 2025-11-24. Review status: criteria provided, single submitter. Criteria: LabCorp Variant Classification Summary - May 2015. Collection method: clinical testing. Allele origin: germline.
Comment: Variant summary: GALNS c.601G>A (p.Gly201Arg) results in a non-conservative amino acid change in the encoded protein sequence. Algorithms developed to predict the effect of missense changes on protein structure and function all suggest that this variant is likely to be disruptive. The variant allele was found at a frequency of 8e-06 in 250624 control chromosomes. The available data on variant occurrences in the general population are insufficient to allow any conclusion about variant significance. To our knowledge, no occurrence of c.601G>A in individuals affected with GALNS-related conditions and no experimental evidence demonstrating its impact on protein function have been reported. A different variant affecting the same codon has been classified as likely pathogenic/pathogenic by our lab (c.602G>A, p.Gly201Glu), supporting the critical relevance of codon 201 to GALNS protein function. ClinVar contains an entry for this variant (Variation ID: 2991062). Based on the evidence outlined above, the variant was classified as uncertain significance.

Labcorp Genetics (formerly Invitae), Labcorp
Classification: Likely pathogenic for Mucopolysaccharidosis, MPS-IV-A. Last evaluated: 2023-07-19. Review status: criteria provided, single submitter. Criteria: Invitae Variant Classification Sherloc (09022015). Collection method: clinical testing. Allele origin: germline.
Comment: This sequence change replaces glycine, which is neutral and non-polar, with arginine, which is basic and polar, at codon 201 of the GALNS protein (p.Gly201Arg). This variant is present in population databases (rs773509699, gnomAD 0.003%). This variant has not been reported in the literature in individuals affected with GALNS-related conditions. Advanced modeling of protein sequence and biophysical properties (such as structural, functional, and spatial information, amino acid conservation, physicochemical variation, residue mobility, and thermodynamic stability) performed at Invitae indicates that this missense variant is expected to disrupt GALNS protein function. This variant disrupts the p.Gly201 amino acid residue in GALNS. Other variant(s) that disrupt this residue have been determined to be pathogenic (PMID: 24726177). This suggests that this residue is clinically significant, and that variants that disrupt this residue are likely to be disease-causing. In summary, the currently available evidence indicates that the variant is pathogenic, but additional data are needed to prove that conclusively. Therefore, this variant has been classified as Likely Pathogenic.

Literature cited by the submitters: PubMed 24726177 (cited by Labcorp Genetics (formerly Invitae), Labcorp).